The following is an entry in ClinVar:

ClinVar aggregate classification (germline): Uncertain significance. Review status: reviewed by expert panel (3 of 4 stars). 2 submissions from 2 submitters: Uncertain significance (1). 1 of the submissions does not count toward it. Last evaluated 2025-08-01.

Conditions:
Malignant hyperthermia of anesthesia. Also called: Anesthesic-triggered malignant hyperthermia. Identifiers: Orphanet 423, MedGen C0024591, MONDO:0018493, HP:0034733.
Malignant hyperthermia, susceptibility to, 1 (MHS1). Also called: Anesthesia related hyperthermia; Malignant hyperpyrexia; Fulminating hyperpyrexia; Pharmacogenic myopathy; RYR1-Related Malignant Hyperthermia Susceptibility; Malignant hyperthermia suceptibility 1. Identifiers: Orphanet 423, MedGen C2930980, MONDO:0007783, OMIM 145600.

Submissions (2):

ClinGen Malignant Hyperthermia Susceptibility Variant Curation Expert Panel, ClinGen
Classification: Uncertain significance for Malignant hyperthermia, susceptibility to, 1. Last evaluated: 2025-08-01. Review status: reviewed by expert panel. Criteria: ClinGen MHS ACMG Specifications V2. Collection method: curation. Allele origin: germline. Inheritance: Autosomal dominant inheritance. Study: ClinGen.
Comment: This pathogenicity assessment is relevant only for malignant hyperthermia susceptibility (MHS) inherited in an autosomal dominant pattern. Variants in RYR1 can also cause other myopathies inherited in an autosomal dominant pattern or in an autosomal recessive pattern. Some of these disorders may predispose individuals to malignant hyperthermia. RYR1 variants may also contribute to a malignant hyperthermia reaction in combination with other genetic and non-genetic factors and the clinician needs to consider such factors in making management decisions. This sequence variant predicts a substitution of Arginine with Serine at codon 533 of the RYR1 protein, p.(Arg533Ser). This variant is not present in a large population database (gnomAD) at the time this variant was interpreted. No publications were identified that reported this variant in individuals with a personal or family history of MH. The variant is present in ClinVar. No functional studies were identified for this variant. This variant resides in a region of RYR1 considered to be a hotspot for pathogenic variants that contribute to MHS, PM1 (PMID: 21118704). A REVEL score >0.85 (0.86) supports a pathogenic status for this variant, PP3_Moderate. This variant has been classified as a Variant of Unknown Significance. Criteria implemented: PM1, PP3_Moderate.

Institute of Human Genetics, University of Wuerzburg
Classification: Likely pathogenic for Malignant hyperthermia. Review status: no assertion criteria provided. Collection method: clinical testing. Allele origin: unknown. Not counted in ClinVar's aggregate classification.

NM_000540.3(RYR1):c.1597C>A (p.Arg533Ser)

Gene: RYR1 (ryanodine receptor 1; plus strand). Cytogenetic location: 19q13.2.
Variant type: single nucleotide variant.
Coding change: c.1597C>A on transcript NM_000540.3 (MANE Select); coding-DNA position 1597, C replaced by A.
Protein change: p.Arg533Ser; replaces arginine 533 with serine.
Molecular consequence: missense variant.
Genome position (GRCh38, 1-based): chr19:38,455,471, C>A. VCF-style: chr19-38455471-C-A. GRCh37 (hg19) VCF-style: chr19-38946111-C-A.
Other names: NM_000540.3(RYR1):c.1597C>A; p.Arg533Ser; c.1597C>A, p.Arg533Ser (NM_001042723.2); short protein forms R533S.
Identifiers: ClinVar variation 291315 (VCV000291315.8), dbSNP rs193922768, ClinGen allele CA10607101.